The following is an entry in ClinVar:

ClinVar aggregate classification (germline): Pathogenic (1 of 4 stars; one submission).

Conditions:
CHARGE syndrome (CHARGE). Also called: Hittner Hirsch Kreh syndrome; CHARGE ASSOCIATION--COLOBOMA, HEART ANOMALY, CHOANAL ATRESIA, RETARDATION, GENITAL AND EAR ANOMALIES; Coloboma, heart anomaly, choanal atresia, retardation, genital and ear anomalies; CHARGE association; Hall-Hittner syndrome. Identifiers: Orphanet 138, MedGen C0265354, MONDO:0008965.

Submission:

Labcorp Genetics (formerly Invitae), Labcorp
Classification: Pathogenic for CHARGE syndrome. Last evaluated: 2019-06-24. Review status: criteria provided, single submitter. Criteria: Invitae Variant Classification Sherloc (09022015). Collection method: clinical testing. Allele origin: germline.
Comment: This sequence change creates a premature translational stop signal (p.Ser910*) in the CHD7 gene. It is expected to result in an absent or disrupted protein product. This variant is not present in population databases (ExAC no frequency). This variant has not been reported in the literature in individuals with CHD7-related conditions. Loss-of-function variants in CHD7 are known to be pathogenic (PMID: 22461308, 25077900). For these reasons, this variant has been classified as Pathogenic.

Literature cited by the submitters: PubMed 22461308; PubMed 25077900.

NM_017780.4(CHD7):c.2729C>G (p.Ser910Ter)

Gene: CHD7 (chromodomain helicase DNA binding protein 7; plus strand). Cytogenetic location: 8q12.2.
Variant type: single nucleotide variant.
Coding change: c.2729C>G on transcript NM_017780.4 (MANE Select); coding-DNA position 2729, C replaced by G.
Protein change: p.Ser910Ter; replaces serine 910 with a stop codon.
Molecular consequence: nonsense. On other transcripts: intron variant (1).
Genome position (GRCh38, 1-based): chr8:60,821,821, C>G. VCF-style: chr8-60821821-C-G. GRCh37 (hg19) VCF-style: chr8-61734380-C-G.
Other names: c.1717-40408C>G (NM_001316690.1); short protein forms S910*.
Identifiers: ClinVar variation 836642 (VCV000836642.3), dbSNP rs1804054410, ClinGen allele CA371307654.